The following is an entry in ClinVar:

ClinVar aggregate classification (germline): Conflicting classifications of pathogenicity. Review status: criteria provided, conflicting classifications (1 of 4 stars). 8 submissions from 8 submitters: Uncertain significance (7); Likely benign (1). Last evaluated 2025-08-05.

Conditions:
Inborn genetic diseases. Identifiers: MedGen C0950123, MeSH D030342.
Fanconi anemia (FA). Also called: Fanconi's anemia. Identifiers: Orphanet 84, MedGen C0015625, MeSH D005199, MONDO:0019391.
Fanconi anemia complementation group I (FANCI). Also called: FANCI-Related Fanconi Anemia. Identifiers: Orphanet 84, MedGen C1836861, MONDO:0012186, OMIM 609053.

Allele frequency attached by ClinVar (database versions not stated): TOPMed 0.00004; gnomAD 0.00006; gnomAD exomes 0.00006.
gnomAD v4.1: 266 of 1,552,232 alleles (0.017%); highest among the groups gnomAD compares: Non-Finnish European, 0.022%; no homozygotes.

Submissions (8):

Dasa
Classification: Uncertain significance. Last evaluated: 2025-08-05. Review status: criteria provided, single submitter. Criteria: DASA Assertion Criteria. Collection method: clinical testing. Allele origin: germline.
Comment: NM_001113378.2(FANCI):c.2507A>G (p.Asn836Ser) is a missense variant that results in the substitution of asparagine with serine. This variant is rare in population databases. Computational prediction algorithms are consistent with a benign effect. The currently available literature and clinical evidence are not sufficient to establish a definitive association between this variant and the reported condition. Therefore, this variant is classified as a variant of uncertain significance.

Fulgent Genetics
Classification: Uncertain significance for Fanconi anemia complementation group I. Last evaluated: 2024-03-26. Review status: criteria provided, single submitter. Criteria: ACMG Guidelines, 2015. Collection method: clinical testing. Allele origin: germline.

Labcorp Genetics (formerly Invitae), Labcorp
Classification: Uncertain significance for Fanconi anemia. Last evaluated: 2024-01-25. Review status: criteria provided, single submitter. Criteria: Invitae Variant Classification Sherloc (09022015). Collection method: clinical testing. Allele origin: germline.
Comment: This sequence change replaces asparagine, which is neutral and polar, with serine, which is neutral and polar, at codon 836 of the FANCI protein (p.Asn836Ser). This variant is present in population databases (no rsID available, gnomAD 0.01%). This variant has not been reported in the literature in individuals affected with FANCI-related conditions. ClinVar contains an entry for this variant (Variation ID: 408253). Algorithms developed to predict the effect of missense changes on protein structure and function output the following: SIFT: "Not Available"; PolyPhen-2: "Benign"; Align-GVGD: "Not Available". The serine amino acid residue is found in multiple mammalian species, which suggests that this missense change does not adversely affect protein function. In summary, the available evidence is currently insufficient to determine the role of this variant in disease. Therefore, it has been classified as a Variant of Uncertain Significance.

Ambry Genetics
Classification: Likely benign for Inborn genetic diseases. Last evaluated: 2022-03-03. Review status: criteria provided, single submitter. Criteria: Ambry Variant Classification Scheme 2023. Collection method: clinical testing. Allele origin: germline.

Sema4
Classification: Uncertain significance for Fanconi anemia. Last evaluated: 2022-01-06. Review status: criteria provided, single submitter. Criteria: Sema4 Curation Guidelines. Collection method: curation. Allele origin: germline.
Comment: The FANCI c.2507A>G (p.N836S) variant has not been reported in the literature to our knowledge. It was observed in 13/190328 chromosomes across the large and broad cohorts of the Genome Aggregation Database (PMID: 32461654). The variant has been reported in ClinVar (Variation ID 408253). In silico tools suggest the impact of the variant on protein function is benign, though these predictions have not been confirmed by functional studies. The evidence is insufficient to meet ACMG/AMP criteria for classifying the variant as benign or pathogenic. Thus, the clinical significance of this variant is currently uncertain.

Institute for Clinical Genetics, University Hospital TU Dresden, University Hospital TU Dresden
Classification: Uncertain significance. Last evaluated: 2021-11-03. Review status: criteria provided, single submitter. Criteria: ACMG Guidelines, 2015. Collection method: clinical testing. Allele origin: germline.

Genetic Services Laboratory, University of Chicago
Classification: Uncertain significance. Last evaluated: 2021-04-16. Review status: criteria provided, single submitter. Criteria: ACMG Guidelines, 2015. Collection method: clinical testing. Allele origin: germline. Affected: no.
Comment: This sequence change does not appear to have been previously described in patients with FANCI-related disorders and has been described in the gnomAD database with a low population frequency of 0.0068% (dbSNP rs933284199). The p.Asn836Ser change affects a poorly conserved amino acid residue located in a domain of the FANCI protein that is not known to be functional. The p.Asn836Ser substitution appears to be benign using several in-silico pathogenicity prediction tools (SIFT, PolyPhen2, Align GVGD, REVEL). Based on in silico splice prediction programs, this sequence change likely affects normal splicing of the FANCI gene, however functional studies have not been performed to prove this conclusively. Due to these contrasting evidences and the lack of functional studies, the clinical significance of the p.Asn836Ser change remains unknown at this time.

Illumina Laboratory Services, Illumina
Classification: Uncertain significance for Fanconi anemia complementation group I. Last evaluated: 2018-01-12. Review status: criteria provided, single submitter. Criteria: ICSL Variant Classification Criteria 13 December 2019. Collection method: clinical testing. Allele origin: germline.

NM_001113378.2(FANCI):c.2507A>G (p.Asn836Ser)

Gene: FANCI (FA complementation group I; plus strand). Cytogenetic location: 15q26.1.
Variant type: single nucleotide variant.
Coding change: c.2507A>G on transcript NM_001113378.2 (MANE Select); coding-DNA position 2507, A replaced by G.
Protein change: p.Asn836Ser; replaces asparagine 836 with serine.
Molecular consequence: missense variant. On other transcripts: intron variant (1).
Genome position (GRCh38, 1-based): chr15:89,294,965, A>G. VCF-style: chr15-89294965-A-G. GRCh37 (hg19) VCF-style: chr15-89838196-A-G.
Other names: c.2228A>G, p.Asn743Ser (NM_001376910.1); c.2507A>G, p.Asn836Ser (NM_001376911.1); c.2456+968A>G (NM_018193.3); short protein forms N836S, N743S.
Identifiers: ClinVar variation 408253 (VCV000408253.18), dbSNP rs933284199, ClinGen allele CA16614575.